The following is an entry in ClinVar:

ClinVar aggregate classification (germline): Uncertain significance. Review status: criteria provided, multiple submitters, no conflicts (2 of 4 stars). 2 submissions from 2 submitters: Uncertain significance (2). Last evaluated 2024-12-04.

Conditions:
Giant axonal neuropathy 1 (GAN1). Also called: GIANT AXONAL NEUROPATHY 1, AUTOSOMAL RECESSIVE; GAN-Related Neurodegeneration. Identifiers: Orphanet 643, MedGen C1850386, MONDO:0009749, OMIM 256850.

Submissions (2):

GeneDx
Classification: Uncertain significance. Last evaluated: 2024-12-04. Review status: criteria provided, single submitter. Criteria: GeneDx Variant Classification Process June 2021. Collection method: clinical testing. Allele origin: germline. Affected: yes.
Comment: Not observed at significant frequency in large population cohorts (gnomAD); Missense variants in this gene are a common cause of disease and they are underrepresented in the general population; In silico analysis indicates that this missense variant does not alter protein structure/function; Has not been previously published as pathogenic or benign to our knowledge; This variant is associated with the following publications: (PMID: 27023907)

Labcorp Genetics (formerly Invitae), Labcorp
Classification: Uncertain significance for Giant axonal neuropathy 1. Last evaluated: 2022-11-27. Review status: criteria provided, single submitter. Criteria: Invitae Variant Classification Sherloc (09022015). Collection method: clinical testing. Allele origin: germline.
Comment: This sequence change replaces serine, which is neutral and polar, with proline, which is neutral and non-polar, at codon 27 of the GAN protein (p.Ser27Pro). In summary, the available evidence is currently insufficient to determine the role of this variant in disease. Therefore, it has been classified as a Variant of Uncertain Significance. Advanced modeling of protein sequence and biophysical properties (such as structural, functional, and spatial information, amino acid conservation, physicochemical variation, residue mobility, and thermodynamic stability) performed at Invitae indicates that this missense variant is not expected to disrupt GAN protein function. This variant has not been reported in the literature in individuals affected with GAN-related conditions. This variant is not present in population databases (gnomAD no frequency).

NM_022041.4(GAN):c.79T>C (p.Ser27Pro)

Genes: GAN (gigaxonin; plus strand), LOC130059498 (ATAC-STARR-seq lymphoblastoid silent region 7753; plus strand). Cytogenetic location: 16q23.2.
Variant type: single nucleotide variant.
Coding change: c.79T>C on transcript NM_022041.4 (MANE Select); coding-DNA position 79, T replaced by C.
Protein change: p.Ser27Pro; replaces serine 27 with proline.
Molecular consequence: missense variant. On other transcripts: 5 prime UTR variant (1).
Genome position (GRCh38, 1-based): chr16:81,315,192, T>C. VCF-style: chr16-81315192-T-C. GRCh37 (hg19) VCF-style: chr16-81348797-T-C.
Other names: c.-446T>C (NM_001377486.1); short protein forms S27P.
Identifiers: ClinVar variation 2741772 (VCV002741772.4), dbSNP rs2507669249, ClinGen allele CA396854640.
Genomic context (GRCh38, chr16:81,315,192, plus strand): 5'-GTGTCTGACCCTCAGCACGCCGCGCGTCTGCTGCGAGCGCTCAGCTCTTTCCGCGAGGAG[T>C]CTCGCTTCTGCGACGCGCACCTGGTCCTCGACGGGGAGGAGATCCCGGTGCAGAAGAACA-3'
Protein context (NP_071324.1, residues 17-37): LRALSSFREE[Ser27Pro]RFCDAHLVLD